The following is an entry in ClinVar:

ClinVar aggregate classification (germline): Uncertain significance. Review status: criteria provided, multiple submitters, no conflicts (2 of 4 stars). 2 submissions from 2 submitters: Uncertain significance (2). Last evaluated 2025-06-25.

Conditions:
Gastrointestinal stromal tumor. Also called: Gastrointestinal stromal tumor, somatic; Gastrointestinal stroma tumor. Identifiers: Orphanet 44890, MedGen C0238198, MeSH D046152, MONDO:0011719, OMIM 606764, HP:0100723.
Hereditary cancer-predisposing syndrome. Also called: Neoplastic Syndromes, Hereditary; Tumor predisposition; Hereditary Cancer Syndrome; Hereditary neoplastic syndrome. Identifiers: Orphanet 140162, MedGen C0027672, MeSH D009386, MONDO:0015356.

Allele frequency attached by ClinVar (database versions not stated): gnomAD exomes below 0.00001.
gnomAD v4.1: 1 of 1,613,894 alleles (0.000062%); highest among the groups gnomAD compares: Non-Finnish European, 0.000085%; no homozygotes.

Submissions (2):

Labcorp Genetics (formerly Invitae), Labcorp
Classification: Uncertain significance for Gastrointestinal stromal tumor. Last evaluated: 2025-06-25. Review status: criteria provided, single submitter. Criteria: Invitae Variant Classification Sherloc (09022015). Collection method: clinical testing. Allele origin: germline.
Comment: This sequence change replaces asparagine, which is neutral and polar, with isoleucine, which is neutral and non-polar, at codon 457 of the PDGFRA protein (p.Asn457Ile). This variant is not present in population databases (gnomAD no frequency). This variant has not been reported in the literature in individuals affected with PDGFRA-related conditions. ClinVar contains an entry for this variant (Variation ID: 1771030). Invitae Evidence Modeling of protein sequence and biophysical properties (such as structural, functional, and spatial information, amino acid conservation, physicochemical variation, residue mobility, and thermodynamic stability) indicates that this missense variant is not expected to disrupt PDGFRA protein function with a negative predictive value of 80%. In summary, the available evidence is currently insufficient to determine the role of this variant in disease. Therefore, it has been classified as a Variant of Uncertain Significance.

Ambry Genetics
Classification: Uncertain significance for Hereditary cancer-predisposing syndrome. Last evaluated: 2021-07-31. Review status: criteria provided, single submitter. Criteria: Ambry Variant Classification Scheme 2023. Collection method: clinical testing. Allele origin: germline.
Comment: The p.N457I variant (also known as c.1370A>T), located in coding exon 9 of the PDGFRA gene, results from an A to T substitution at nucleotide position 1370. The asparagine at codon 457 is replaced by isoleucine, an amino acid with dissimilar properties. This amino acid position is conserved. In addition, this alteration is predicted to be tolerated by in silico analysis. Since supporting evidence is limited at this time, the clinical significance of this alteration remains unclear.

NM_006206.6(PDGFRA):c.1370A>T (p.Asn457Ile)

Gene: PDGFRA (platelet derived growth factor receptor alpha; plus strand). Cytogenetic location: 4q12.
Variant type: single nucleotide variant.
Coding change: c.1370A>T on transcript NM_006206.6 (MANE Select); coding-DNA position 1370, A replaced by T.
Protein change: p.Asn457Ile; replaces asparagine 457 with isoleucine.
Molecular consequence: missense variant.
Genome position (GRCh38, 1-based): chr4:54,273,542, A>T. VCF-style: chr4-54273542-A-T. GRCh37 (hg19) VCF-style: chr4-55139709-A-T.
Other names: c.1370A>T, p.Asn457Ile (NM_001347827.2, NM_001347829.2); c.1445A>T, p.Asn482Ile (NM_001347828.2); c.1409A>T, p.Asn470Ile (NM_001347830.2); short protein forms N470I, N482I, N457I.
Identifiers: ClinVar variation 1771030 (VCV001771030.3), dbSNP rs2475487509, ClinGen allele CA356892427.